The following is an entry in ClinVar:

NM_024642.5(GALNT12):c.1490G>A (p.Arg497His)

Gene: GALNT12 (polypeptide N-acetylgalactosaminyltransferase 12; plus strand). Cytogenetic location: 9q22.33.
Variant type: single nucleotide variant.
Coding change: c.1490G>A on transcript NM_024642.5 (MANE Select); coding-DNA position 1490, G replaced by A.
Protein change: p.Arg497His; replaces arginine 497 with histidine.
Molecular consequence: missense variant.
Genome position (GRCh38, 1-based): chr9:98,846,008, G>A. VCF-style: chr9-98846008-G-A. GRCh37 (hg19) VCF-style: chr9-101608290-G-A.
Other names: short protein forms R497H.
Identifiers: ClinVar variation 645554 (VCV000645554.12), dbSNP rs200112438, ClinGen allele CA5154300.

ClinVar aggregate classification (germline): Uncertain significance. Review status: criteria provided, multiple submitters, no conflicts (2 of 4 stars). 2 submissions from 2 submitters: Uncertain significance (2). Last evaluated 2025-02-04.

Allele frequency attached by ClinVar (database versions not stated): ExAC 0.00001; gnomAD exomes 0.00001.
gnomAD v4.1: 14 of 1,614,118 alleles (0.00087%); highest among the groups gnomAD compares: East Asian, 0.0022%; no homozygotes.

Submissions (2):

Ambry Genetics
Classification: Uncertain significance. Last evaluated: 2025-02-04. Review status: criteria provided, single submitter. Criteria: Ambry Variant Classification Scheme 2023. Collection method: clinical testing. Allele origin: germline.
Comment: The p.R497H variant (also known as c.1490G>A), located in coding exon 9 of the GALNT12 gene, results from a G to A substitution at nucleotide position 1490. The arginine at codon 497 is replaced by histidine, an amino acid with highly similar properties. This amino acid position is highly conserved in available vertebrate species. In addition, the in silico prediction for this alteration is inconclusive. The evidence for this gene-disease relationship is limited; therefore, the clinical significance of this alteration is unclear.

Labcorp Genetics (formerly Invitae), Labcorp
Classification: Uncertain significance. Last evaluated: 2022-07-19. Review status: criteria provided, single submitter. Criteria: Invitae Variant Classification Sherloc (09022015). Collection method: clinical testing. Allele origin: germline.
Comment: In summary, the available evidence is currently insufficient to determine the role of this variant in disease. Therefore, it has been classified as a Variant of Uncertain Significance. Algorithms developed to predict the effect of missense changes on protein structure and function are either unavailable or do not agree on the potential impact of this missense change (SIFT: "Deleterious"; PolyPhen-2: "Probably Damaging"; Align-GVGD: "Class C0"). ClinVar contains an entry for this variant (Variation ID: 645554). This variant has not been reported in the literature in individuals affected with GALNT12-related conditions. This variant is present in population databases (rs200112438, gnomAD 0.006%). This sequence change replaces arginine, which is basic and polar, with histidine, which is basic and polar, at codon 497 of the GALNT12 protein (p.Arg497His).